The following is an entry in ClinVar:

NM_206933.4(USH2A):c.1637G>A (p.Gly546Glu)

Gene: USH2A (usherin; minus strand). Cytogenetic location: 1q41.
Variant type: single nucleotide variant.
Coding change: c.1637G>A on transcript NM_206933.4 (MANE Select); coding-DNA position 1637, G replaced by A.
Protein change: p.Gly546Glu; replaces glycine 546 with glutamic acid.
Molecular consequence: missense variant.
Genome position (GRCh38, 1-based): chr1:216,321,890, C>T on the plus strand (G>A on the coding strand, the complement: USH2A is on the minus strand). VCF-style: chr1-216321890-C-T. GRCh37 (hg19) VCF-style: chr1-216495232-C-T.
Other names: c.1637G>A, p.Gly546Glu (NM_007123.6); short protein forms G546E.
Identifiers: ClinVar variation 1995581 (VCV001995581.4), dbSNP rs267598378, ClinGen allele CA37897602.

ClinVar aggregate classification (germline): Uncertain significance (1 of 4 stars; one submission).

gnomAD v4.1: 1 of 1,613,646 alleles (0.000062%); highest among the groups gnomAD compares: Non-Finnish European, 0.000085%; no homozygotes.

Submission:

Labcorp Genetics (formerly Invitae), Labcorp
Classification: Uncertain significance. Last evaluated: 2022-05-17. Review status: criteria provided, single submitter. Criteria: Invitae Variant Classification Sherloc (09022015). Collection method: clinical testing. Allele origin: germline.
Comment: In summary, the available evidence is currently insufficient to determine the role of this variant in disease. Therefore, it has been classified as a Variant of Uncertain Significance. Algorithms developed to predict the effect of missense changes on protein structure and function are either unavailable or do not agree on the potential impact of this missense change (SIFT: "Deleterious"; PolyPhen-2: "Probably Damaging"; Align-GVGD: "Class C0"). This variant has not been reported in the literature in individuals affected with USH2A-related conditions. This variant is not present in population databases (gnomAD no frequency). This sequence change replaces glycine, which is neutral and non-polar, with glutamic acid, which is acidic and polar, at codon 546 of the USH2A protein (p.Gly546Glu).